The following is an entry in ClinVar:

NM_000209.4(PDX1):c.446C>T (p.Thr149Met)

Gene: PDX1 (pancreatic and duodenal homeobox 1; plus strand). Cytogenetic location: 13q12.2.
Variant type: single nucleotide variant.
Coding change: c.446C>T on transcript NM_000209.4 (MANE Select); coding-DNA position 446, C replaced by T.
Protein change: p.Thr149Met; replaces threonine 149 with methionine.
Molecular consequence: missense variant.
Genome position (GRCh38, 1-based): chr13:27,924,295, C>T. VCF-style: chr13-27924295-C-T. GRCh37 (hg19) VCF-style: chr13-28498432-C-T.
Other names: short protein forms T149M.
Identifiers: ClinVar variation 4777919 (VCV004777919.1).

ClinVar aggregate classification (germline): Uncertain significance (1 of 4 stars; one submission).

Submission:

Labcorp Genetics (formerly Invitae), Labcorp
Classification: Uncertain significance. Last evaluated: 2025-12-03. Review status: criteria provided, single submitter. Criteria: Invitae Variant Classification Sherloc (09022015). Collection method: clinical testing. Allele origin: germline.
Comment: This sequence change replaces threonine, which is neutral and polar, with methionine, which is neutral and non-polar, at codon 149 of the PDX1 protein (p.Thr149Met). This variant is not present in population databases (gnomAD no frequency). This variant has not been reported in the literature in individuals affected with PDX1-related conditions. Invitae Evidence Modeling of protein sequence and biophysical properties (such as structural, functional, and spatial information, amino acid conservation, physicochemical variation, residue mobility, and thermodynamic stability) has been performed for this missense variant. However, the output from this modeling did not meet the statistical confidence thresholds required to predict the impact of this variant on PDX1 protein function. In summary, the available evidence is currently insufficient to determine the role of this variant in disease. Therefore, it has been classified as a Variant of Uncertain Significance.